The following is an entry in ClinVar:

ClinVar aggregate classification (germline): Uncertain significance. Review status: criteria provided, multiple submitters, no conflicts (2 of 4 stars). 4 submissions from 4 submitters: Uncertain significance (4). Last evaluated 2025-10-07.

Conditions:
Inborn genetic diseases. Identifiers: MedGen C0950123, MeSH D030342.
Hennekam lymphangiectasia-lymphedema syndrome 2 (HKLLS2). Identifiers: Orphanet 2136, MedGen C4014939, MONDO:0014454, OMIM 616006.
Van Maldergem syndrome 2 (VMLDS2). Identifiers: Orphanet 314679, MedGen C3809875, MONDO:0014242, OMIM 615546.

Allele frequency attached by ClinVar (database versions not stated): TOPMed 0.00003.
gnomAD v4.1: 9 of 1,614,038 alleles (0.00056%); highest among the groups gnomAD compares: Admixed American, 0.0017%; no homozygotes.

Submissions (4):

Ambry Genetics
Classification: Uncertain significance for Inborn genetic diseases. Last evaluated: 2025-10-07. Review status: criteria provided, single submitter. Criteria: Ambry Variant Classification Scheme 2023. Collection method: clinical testing. Allele origin: germline.

Fulgent Genetics
Classification: Uncertain significance for Van Maldergem syndrome 2; Hennekam lymphangiectasia-lymphedema syndrome 2. Last evaluated: 2024-02-12. Review status: criteria provided, single submitter. Criteria: ACMG Guidelines, 2015. Collection method: clinical testing. Allele origin: germline.

Labcorp Genetics (formerly Invitae), Labcorp
Classification: Uncertain significance. Last evaluated: 2023-07-28. Review status: criteria provided, single submitter. Criteria: Invitae Variant Classification Sherloc (09022015). Collection method: clinical testing. Allele origin: germline.
Comment: In summary, the available evidence is currently insufficient to determine the role of this variant in disease. Therefore, it has been classified as a Variant of Uncertain Significance. Advanced modeling of protein sequence and biophysical properties (such as structural, functional, and spatial information, amino acid conservation, physicochemical variation, residue mobility, and thermodynamic stability) performed at Invitae indicates that this missense variant is not expected to disrupt FAT4 protein function. ClinVar contains an entry for this variant (Variation ID: 1901365). This variant has not been reported in the literature in individuals affected with FAT4-related conditions. This variant is present in population databases (no rsID available, gnomAD 0.003%). This sequence change replaces alanine, which is neutral and non-polar, with valine, which is neutral and non-polar, at codon 198 of the FAT4 protein (p.Ala198Val).

Blueprint Genetics
Classification: Uncertain significance. Last evaluated: 2021-09-15. Review status: criteria provided, single submitter. Criteria: ACMG Guidelines, 2015. Collection method: clinical testing. Allele origin: germline.

NM_001291303.3(FAT4):c.593C>T (p.Ala198Val)

Gene: FAT4 (FAT atypical cadherin 4; plus strand). Cytogenetic location: 4q28.1.
Variant type: single nucleotide variant.
Coding change: c.593C>T on transcript NM_001291303.3 (MANE Select); coding-DNA position 593, C replaced by T.
Protein change: p.Ala198Val; replaces alanine 198 with valine.
Molecular consequence: missense variant.
Genome position (GRCh38, 1-based): chr4:125,317,004, C>T. VCF-style: chr4-125317004-C-T. GRCh37 (hg19) VCF-style: chr4-126238159-C-T.
Other names: c.593C>T, p.Ala198Val (NM_001291285.3, NM_024582.6); c.593C>T (NM_024582.5, NM_024582.4); short protein forms A198V.
Identifiers: ClinVar variation 1901365 (VCV001901365.8), dbSNP rs1210740640, ClinGen allele CA358116124.
Genomic context (GRCh38, chr4:125,317,004, plus strand): 5'-GCGGCAATGAGGCGGGGCGCTTCCGTCTGGACATCACCCTGAACCCGAGCGGCGAGGGAG[C>T]GTTCCTGCATCTGGTGTCCAAGGGCGGACTGGACCGTGAGGTCACTCCGCAGTACCAGCT-3'
Protein context (NP_001278232.1, residues 188-208): DITLNPSGEG[Ala198Val]FLHLVSKGGL